The following is an entry in ClinVar:

ClinVar aggregate classification (germline): Uncertain significance (1 of 4 stars; one submission).

Conditions:
Nephronophthisis. Also called: Juvenile Nephronophthisis. Identifiers: Orphanet 655, MedGen C0687120, MONDO:0019005, HP:0000090.

Submission:

Labcorp Genetics (formerly Invitae), Labcorp
Classification: Uncertain significance for Nephronophthisis. Last evaluated: 2021-12-20. Review status: criteria provided, single submitter. Criteria: Invitae Variant Classification Sherloc (09022015). Collection method: clinical testing. Allele origin: germline.
Comment: This variant has not been reported in the literature in individuals affected with INVS-related conditions. This variant is not present in population databases (gnomAD no frequency). This sequence change replaces proline, which is neutral and non-polar, with serine, which is neutral and polar, at codon 707 of the INVS protein (p.Pro707Ser). Algorithms developed to predict the effect of missense changes on protein structure and function output the following: SIFT: "Tolerated"; PolyPhen-2: "Benign"; Align-GVGD: "Class C0". The serine amino acid residue is found in multiple mammalian species, which suggests that this missense change does not adversely affect protein function. In summary, the available evidence is currently insufficient to determine the role of this variant in disease. Therefore, it has been classified as a Variant of Uncertain Significance.

NM_014425.5(INVS):c.2119C>T (p.Pro707Ser)

Gene: INVS (inversin; plus strand). Cytogenetic location: 9q31.1.
Variant type: single nucleotide variant.
Coding change: c.2119C>T on transcript NM_014425.5 (MANE Select); coding-DNA position 2119, C replaced by T.
Protein change: p.Pro707Ser; replaces proline 707 with serine.
Molecular consequence: missense variant. On other transcripts: non-coding transcript variant (1).
Genome position (GRCh38, 1-based): chr9:100,292,376, C>T. VCF-style: chr9-100292376-C-T. GRCh37 (hg19) VCF-style: chr9-103054658-C-T.
Other names: c.1831C>T, p.Pro611Ser (NM_001318381.2); c.1141C>T, p.Pro381Ser (NM_001318382.2); short protein forms P611S, P381S, P707S.
Identifiers: ClinVar variation 1935461 (VCV001935461.5), dbSNP rs2490114611, ClinGen allele CA374242020.
Genomic context (GRCh38, chr9:100,292,376, plus strand): 5'-TTTCCTCAAGAAACAGCCAGAGAACATTCTAAAGGCCAATCTGCTTGTGTCCACTTCAGA[C>T]CCAATGAAGGCAGTGATGGAAGCAGGCATCCAGGAGTTCCCTCTGTTGAGAAGTCCAGAG-3'
Protein context (NP_055240.2, residues 697-717): KGQSACVHFR[Pro707Ser]NEGSDGSRHP